The following is an entry in ClinVar:

NM_001267550.2(TTN):c.104515C>T (p.Arg34839Ter)

Genes: TTN (titin; minus strand), TTN-AS1 (TTN antisense RNA 1; plus strand). Cytogenetic location: 2q31.2.
Variant type: single nucleotide variant.
Coding change: c.104515C>T on transcript NM_001267550.2 (MANE Select); coding-DNA position 104515, C replaced by T.
Protein change: p.Arg34839Ter; replaces arginine 34839 with a stop codon.
Molecular consequence: nonsense.
Genome position (GRCh38, 1-based): chr2:178,532,100, G>A on the plus strand (C>T on the coding strand, the complement: TTN is on the minus strand). VCF-style: chr2-178532100-G-A. GRCh37 (hg19) VCF-style: chr2-179396827-G-A.
Other names: c.99592C>T, p.Arg33198Ter (NM_001256850.1); c.77320C>T, p.Arg25774Ter (NM_003319.4); c.96811C>T, p.Arg32271Ter (NM_133378.4); c.77695C>T, p.Arg25899Ter (NM_133432.3); c.77896C>T, p.Arg25966Ter (NM_133437.4); c.104515C>T (NM_001267550.1); short protein forms R34839*, R25899*, R32271*, R33198*, R25774*, R25966*.
Identifiers: ClinVar variation 535030 (VCV000535030.20), dbSNP rs1553488049, ClinGen allele CA349411489.

ClinVar aggregate classification (germline): Pathogenic/Likely pathogenic. Review status: criteria provided, multiple submitters, no conflicts (2 of 4 stars). 8 submissions from 8 submitters: Pathogenic (2); Likely pathogenic (6). Last evaluated 2026-05-04.

Conditions:
Cardiovascular phenotype. Identifiers: MedGen CN230736.
Dilated cardiomyopathy 1G (CMD1G). Identifiers: Orphanet 154, MedGen C1858763, MONDO:0011400, OMIM 604145.
TTN-related disorder. Also called: TTN-related condition; TTN-related disease; TTN-related disorders.
Autosomal recessive limb-girdle muscular dystrophy type 2J (LGMDR10). Also called: MUSCULAR DYSTROPHY, LIMB-GIRDLE, AUTOSOMAL RECESSIVE 10; Limb-girdle muscular dystrophy, type 2J. Identifiers: Orphanet 140922, MedGen C1837342, MONDO:0012127, OMIM 608807.
Cardiomyopathy (CMYO). Also called: Cardiomyopathies. Identifiers: Orphanet 167848, MedGen C0878544, MONDO:0004994, HP:0001638. Inheritance: Various modes of inheritance.

gnomAD v4.1: 4 of 1,613,922 alleles (0.00025%); highest among the groups gnomAD compares: Non-Finnish European, 0.00034%; no homozygotes.

Submissions (8):

Molecular Diagnostic Laboratory for Inherited Cardiovascular Disease, Montreal Heart Institute
Classification: Pathogenic for Cardiovascular phenotype. Last evaluated: 2026-05-04. Review status: criteria provided, single submitter. Criteria: ACMG Guidelines, 2015. Collection method: clinical testing. Allele origin: germline. Affected: yes.
Comment: PVS1, PS4_supp, PM2

Labcorp Genetics (formerly Invitae), Labcorp
Classification: Pathogenic for Dilated cardiomyopathy 1G; Autosomal recessive limb-girdle muscular dystrophy type 2J. Last evaluated: 2025-12-19. Review status: criteria provided, single submitter. Criteria: Invitae Variant Classification Sherloc (09022015). Collection method: clinical testing. Allele origin: germline.
Comment: This sequence change creates a premature translational stop signal (p.Arg34839*) in the TTN gene. While this is not anticipated to result in nonsense mediated decay, it is expected to create a truncated TTN protein. This variant is not present in population databases (gnomAD no frequency). This premature translational stop signal has been observed in individuals with dilated cardiomyopathy (PMID: 36264615, 36977548; internal data). ClinVar contains an entry for this variant (Variation ID: 535030). This variant is located in the M band of TTN (PMID: 25589632). Truncating variants in this region have been previously reported in individuals affected with autosomal dominant or autosomal recessive myopathy and muscular dystrophy (PMID: 18948003, 23975875, 24395473). Truncating variants in this region have also been identified in individuals affected with autosomal dominant dilated cardiomyopathy and/or cardio-related conditions (PMID: 27869827, 32964742, internal data). For these reasons, this variant has been classified as Pathogenic.

Ambry Genetics
Classification: Likely pathogenic for Cardiovascular phenotype. Last evaluated: 2024-12-02. Review status: criteria provided, single submitter. Criteria: Ambry Variant Classification Scheme 2023. Collection method: clinical testing. Allele origin: germline.
Comment: The p.R25774* variant (also known as c.77320C>T), located in coding exon 185 of the TTN gene, results from a C to T substitution at nucleotide position 77320. This changes the amino acid from an arginine to a stop codon within coding exon 185. This exon is located in the M-band region of the N2-B isoform of the titin protein and is constitutively expressed in TTN transcripts (percent spliced in or PSI 100%). This variant (referred to as NM_001267550.1:c.104515C>T, p.R34839*) was reported in individual(s) with features consistent with dilated cardiomyopathy (Bourfiss M et al. Circ Genom Precis Med. 2022 Dec;15(6):e003704; Ambry internal data). This variant is considered to be rare based on population cohorts in the Genome Aggregation Database (gnomAD). This alteration is expected to result in loss of function by premature protein truncation or nonsense-mediated mRNA decay. While truncating variants in TTN are present in 1-3% of the general population, truncating variants in the M-band have been reported in association with autosomal recessive titinopathies, primarily presenting with skeletal myopathy phenotypes (Ceyhan-Birsoy O et al. Neurology. 2013 Oct 1;81(14):1205-14; De Cid R et al. Neurology. 2015;85(24):2126-35). In addition, regardless of their position, TTN truncating variants encoded in constitutive exons (PSI >90%) have been found to be significantly associated with dilated cardiomyopathy (DCM), though truncating variants in the A-band are the most common cause of DCM (Herman DS et al. N. Engl. J. Med., 2012 Feb;366:619-28; Roberts AM et al. Sci Transl Med, 2015 Jan;7:270ra6; Schafer S et al. Nat. Genet., 2017 01;49:46-53). Based on the majority of available evidence to date, this variant is likely to be pathogenic in association with autosomal recessive titinopathy; however, the clinical significance of this alteration with respect to cardiomyopathy remains unclear.

Blueprint Genetics
Classification: Likely pathogenic for TTN-related disorders. Last evaluated: 2024-06-11. Review status: criteria provided, single submitter. Criteria: ACMG Guidelines, 2015. Collection method: clinical testing. Allele origin: germline. Affected: yes. Observed: 4 variant alleles.

GeneDx
Classification: Likely pathogenic. Last evaluated: 2024-04-19. Review status: criteria provided, single submitter. Criteria: GeneDx Variant Classification Process June 2021. Collection method: clinical testing. Allele origin: germline. Affected: yes.
Comment: Nonsense variant predicted to result in protein truncation or nonsense mediated decay in a gene for which loss of function is a known mechanism of disease; Not observed at significant frequency in large population cohorts (gnomAD); Located in the M-line region of TTN in which the majority of loss of function variants have been associated with autosomal recessive titinopathies (PMID: 17444505); Observed in an infant with hypertrophic cardiomyopathy and sudden death in conjunction with variants in the ELAC2 and MYPN genes (Venegas EdPG et al. (2018) Repertorio de Medicina y Cirugiia. 27 (1):39-43); This variant is associated with the following publications: (PMID: 17444505, Venegas2018, 36264615, 36977548)

CHEO Genetics Diagnostic Laboratory, Children's Hospital of Eastern Ontario
Classification: Likely pathogenic for Cardiomyopathy. Last evaluated: 2022-08-18. Review status: criteria provided, single submitter. Criteria: ACMG Guidelines, 2015. Collection method: clinical testing. Allele origin: germline.

Revvity Omics, Revvity
Classification: Likely pathogenic. Last evaluated: 2021-03-18. Review status: criteria provided, single submitter. Criteria: ACMG Guidelines, 2015. Collection method: clinical testing. Allele origin: germline.

Juno Genomics, Hangzhou Juno Genomics, Inc
Classification: Likely pathogenic for Dilated cardiomyopathy 1G. Review status: criteria provided, single submitter. Criteria: ACMG Guidelines, 2015. Collection method: clinical testing. Allele origin: germline.
Comment: Absent from controls (or at extremely low frequency if recessive) in Genome Aggregation Database.;Null variant in a gene where loss of function (LOF) is a known mechanism of disease.;The prevalence of the variant in affected individuals is significantly increased compared to the prevalence in controls.

Literature cited by the submitters: PubMed 36264615 (cited by Labcorp Genetics (formerly Invitae), Labcorp and Ambry Genetics); PubMed 36977548 (cited by Labcorp Genetics (formerly Invitae), Labcorp); PubMed 25589632 (cited by Labcorp Genetics (formerly Invitae), Labcorp); PubMed 18948003 (cited by Labcorp Genetics (formerly Invitae), Labcorp); PubMed 23975875 (cited by Labcorp Genetics (formerly Invitae), Labcorp); PubMed 24395473 (cited by Labcorp Genetics (formerly Invitae), Labcorp); PubMed 27869827 (cited by Labcorp Genetics (formerly Invitae), Labcorp); PubMed 32964742 (cited by Labcorp Genetics (formerly Invitae), Labcorp).